The following is an entry in ClinVar:

ClinVar aggregate classification (germline): Pathogenic (1 of 4 stars; one submission).

Allele frequency attached by ClinVar (database versions not stated): gnomAD exomes below 0.00001 and 0.00001; TOPMed below 0.00001; ExAC 0.00001; gnomAD 0.00001.

Submission:

Labcorp Genetics (formerly Invitae), Labcorp
Classification: Pathogenic. Last evaluated: 2021-06-03. Review status: criteria provided, single submitter. Criteria: Invitae Variant Classification Sherloc (09022015). Collection method: clinical testing. Allele origin: germline.
Comment: For these reasons, this variant has been classified as Pathogenic. This variant has not been reported in the literature in individuals with MCPH1-related conditions. This variant is present in population databases (rs778135376, ExAC 0.001%). This sequence change creates a premature translational stop signal (p.Val10Serfs*5) in the MCPH1 gene. It is expected to result in an absent or disrupted protein product. Loss-of-function variants in MCPH1 are known to be pathogenic (PMID: 20978018).

Literature cited by the submitters: PubMed 20978018.

NM_024596.5(MCPH1):c.26dup (p.Val10fs)

Gene: MCPH1 (microcephalin 1; plus strand). Cytogenetic location: 8p23.1.
Variant type: Duplication.
Coding change: c.26dup on transcript NM_024596.5 (MANE Select); coding-DNA position 26, one base duplicated (T; older notation c.26dupT).
Protein change: p.Val10fs; shifts the reading frame from valine 10.
Molecular consequence: frameshift variant. On other transcripts: 5 prime UTR variant (1), non-coding transcript variant (1), intron variant (1).
Genome position (GRCh38, 1-based): chr8:6,409,282, T duplicated. VCF-style (leftmost placement, unchanged base first): chr8-6409281-G-GT. GRCh37 (hg19) VCF-style: chr8-6266802-G-GT.
Other names: c.26dup, p.Val10fs (NM_001172574.2, NM_001172575.2, NM_001322042.2 and 2 more transcripts); c.-77dup (NM_001322045.2); c.23-3dup (NM_001322043.2); short protein forms V10fs.
Identifiers: ClinVar variation 1453725 (VCV001453725.6), dbSNP rs778135376, ClinGen allele CA4610017.